The following is an entry in ClinVar:

NM_001330360.2(POLA1):c.3599C>T (p.Ala1200Val)

Gene: POLA1 (DNA polymerase alpha 1, catalytic subunit; plus strand). Cytogenetic location: Xp22.11.
Variant type: single nucleotide variant.
Coding change: c.3599C>T on transcript NM_001330360.2 (MANE Select); coding-DNA position 3599, C replaced by T.
Protein change: p.Ala1200Val; replaces alanine 1200 with valine.
Molecular consequence: missense variant. On other transcripts: non-coding transcript variant (2).
Genome position (GRCh38, 1-based): chrX:24,826,464, C>T. VCF-style: chrX-24826464-C-T. GRCh37 (hg19) VCF-style: chrX-24844581-C-T.
Other names: c.3524C>T, p.Ala1175Val (NM_001378303.1); c.3581C>T, p.Ala1194Val (NM_016937.4); short protein forms A1175V, A1194V, A1200V.
Identifiers: ClinVar variation 1422675 (VCV001422675.8), dbSNP rs754565750, ClinGen allele CA10373586.

ClinVar aggregate classification (germline): Uncertain significance (1 of 4 stars; one submission).

Allele frequency attached by ClinVar (database versions not stated): gnomAD exomes below 0.00001 and 0.00002; gnomAD 0.00001; TOPMed below 0.00001; ExAC 0.00001.
gnomAD v4.1: 4 of 1,203,738 alleles (0.00033%); highest among the groups gnomAD compares: South Asian, 0.0036%; no homozygotes.

Submission:

Labcorp Genetics (formerly Invitae), Labcorp
Classification: Uncertain significance. Last evaluated: 2025-05-25. Review status: criteria provided, single submitter. Criteria: Invitae Variant Classification Sherloc (09022015). Collection method: clinical testing. Allele origin: germline.
Comment: This sequence change replaces alanine, which is neutral and non-polar, with valine, which is neutral and non-polar, at codon 1194 of the POLA1 protein (p.Ala1194Val). The frequency data for this variant in the population databases is considered unreliable, as metrics indicate poor data quality at this position in the gnomAD database. This variant has not been reported in the literature in individuals affected with POLA1-related conditions. ClinVar contains an entry for this variant (Variation ID: 1422675). Invitae Evidence Modeling of protein sequence and biophysical properties (such as structural, functional, and spatial information, amino acid conservation, physicochemical variation, residue mobility, and thermodynamic stability) indicates that this missense variant is expected to disrupt POLA1 protein function with a positive predictive value of 80%. In summary, the available evidence is currently insufficient to determine the role of this variant in disease. Therefore, it has been classified as a Variant of Uncertain Significance.